The following is an entry in ClinVar:

ClinVar aggregate classification (germline): Uncertain significance (1 of 4 stars; one submission).

Conditions:
Brittle cornea syndrome 1 (BCS1). Also called: FRAGILITAS OCULI WITH JOINT HYPEREXTENSIBILITY; CORNEAL FRAGILITY, KERATOGLOBUS, BLUE SCLERAE, JOINT HYPEREXTENSIBILITY; EDS6B; Corneal fragility keratoglobus, blue sclerae AND joint hypermobility; DYSGENESIS MESODERMALIS CORNEAE ET SCLERAE. Identifiers: Orphanet 90354, MedGen C0268344, MONDO:0024543, OMIM 229200.

Allele frequency attached by ClinVar (database versions not stated): gnomAD 0.00001.
gnomAD v4.1: 7 of 1,546,788 alleles (0.00045%); highest among the groups gnomAD compares: South Asian, 0.0012%; no homozygotes.

Submission:

Center for Genomics, Ann and Robert H. Lurie Children's Hospital of Chicago
Classification: Uncertain significance for Brittle cornea syndrome 1. Last evaluated: 2023-01-17. Review status: criteria provided, single submitter. Criteria: ACMG Guidelines, 2015. Collection method: clinical testing. Allele origin: germline.
Comment: This variant has not been reported in the literature. It is present in gnomAD (Highest reported MAF: 0.004% [1/22646]). Evolutionary conservation and computational prediction tools suggest that this variant may not impact the protein. In summary, data on this variant is insufficient for disease classification. Therefore, the clinical significance of this variant is uncertain.

NM_001367624.2(ZNF469):c.10744G>C (p.Ala3582Pro)

Gene: ZNF469 (zinc finger protein 469; plus strand). Cytogenetic location: 16q24.2.
Variant type: single nucleotide variant.
Coding change: c.10744G>C on transcript NM_001367624.2 (MANE Select); coding-DNA position 10744, G replaced by C.
Protein change: p.Ala3582Pro; replaces alanine 3582 with proline.
Molecular consequence: missense variant.
Genome position (GRCh38, 1-based): chr16:88,438,214, G>C. VCF-style: chr16-88438214-G-C. GRCh37 (hg19) VCF-style: chr16-88504622-G-C.
Other names: short protein forms A3582P.
Identifiers: ClinVar variation 2500113 (VCV002500113.1), dbSNP rs757512156, ClinGen allele CA8225548.
Genomic context (GRCh38, chr16:88,438,214, plus strand): 5'-TTGGCTGATGGCAGAGGAGACTGCGCGCTGGACGGAGCCCTGGAGAGGCCAGAGAACGAG[G>C]CTTCCCCAGGCAGCCCCGGGCCTCTTCTCCAGCAAGCTCTCCCTCTGGGGGCATCTCTGC-3'
Protein context (NP_001354553.1, residues 3572-3592): DGALERPENE[Ala3582Pro]SPGSPGPLLQ